The following is an entry in ClinVar:

NM_173598.6(KSR2):c.1204A>T (p.Ile402Phe)

Gene: KSR2 (kinase suppressor of ras 2; minus strand). Cytogenetic location: 12q24.22.
Variant type: single nucleotide variant.
Coding change: c.1204A>T on transcript NM_173598.6 (MANE Select); coding-DNA position 1204, A replaced by T.
Protein change: p.Ile402Phe; replaces isoleucine 402 with phenylalanine.
Molecular consequence: missense variant.
Genome position (GRCh38, 1-based): chr12:117,582,327, T>A on the plus strand (A>T on the coding strand, the complement: KSR2 is on the minus strand). VCF-style: chr12-117582327-T-A. GRCh37 (hg19) VCF-style: chr12-118020132-T-A.
Other names: short protein forms I402F.
Identifiers: ClinVar variation 3355813 (VCV003355813.2).

ClinVar aggregate classification (germline): Uncertain significance. Review status: criteria provided, single submitter (1 of 4 stars). 2 submissions from 2 submitters: Uncertain significance (1). 1 of the submissions does not count toward it. Last evaluated 2025-10-01.

Conditions:
KSR2-related disorder. Also called: KSR2-related condition.

gnomAD v4.1: 6 of 1,613,710 alleles (0.00037%); highest among the groups gnomAD compares: Admixed American, 0.0083%; no homozygotes.

Submissions (2):

Ambry Genetics
Classification: Uncertain significance. Last evaluated: 2025-10-01. Review status: criteria provided, single submitter. Criteria: Ambry Variant Classification Scheme 2023. Collection method: clinical testing. Allele origin: germline.

PreventionGenetics, part of Exact Sciences
Classification: Uncertain significance for KSR2-related condition. Last evaluated: 2024-09-22. Review status: no assertion criteria provided. Collection method: clinical testing. Allele origin: germline. Not counted in ClinVar's aggregate classification.
Comment: The KSR2 c.1117A>T variant is predicted to result in the amino acid substitution p.Ile373Phe. To our knowledge, this variant has not been reported in the literature. This variant is reported in 0.011% of alleles in individuals of Latino descent in gnomAD. Although we suspect that this variant may be benign, at this time, the clinical significance of this variant is uncertain due to the absence of conclusive functional and genetic evidence.